The following is an entry in ClinVar:

NM_001199107.2(TBC1D24):c.1526G>T (p.Gly509Val)

Gene: TBC1D24 (TBC1 domain family member 24; plus strand). Cytogenetic location: 16p13.3.
Variant type: single nucleotide variant.
Coding change: c.1526G>T on transcript NM_001199107.2 (MANE Select); coding-DNA position 1526, G replaced by T.
Protein change: p.Gly509Val; replaces glycine 509 with valine.
Molecular consequence: missense variant.
Genome position (GRCh38, 1-based): chr16:2,500,804, G>T. VCF-style: chr16-2500804-G-T. GRCh37 (hg19) VCF-style: chr16-2550805-G-T.
Other names: p.G503V:GGG>GTG; c.1508G>T, p.Gly503Val (NM_020705.3); short protein forms G503V, G509V.
Identifiers: ClinVar variation 207515 (VCV000207515.11), dbSNP rs796053406, ClinGen allele CA319068.

ClinVar aggregate classification (germline): Uncertain significance. Review status: criteria provided, multiple submitters, no conflicts (2 of 4 stars). 2 submissions from 2 submitters: Uncertain significance (2). Last evaluated 2022-03-22.

Conditions:
Developmental and epileptic encephalopathy, 1 (DEE1). Also called: Epileptic encephalopathy, early infantile, 1; X-linked infantile spasms; West's syndrome; Tonic spasms with clustering, arrest of psychomotor development and hypsarrhythmia on EEG; X-Linked Infantile Spasm Syndrome; OHTAHARA SYNDROME, X-LINKED. Identifiers: MedGen C3463992, MONDO:0010632, OMIM 308350. Disease mechanism: loss of function.
Autosomal dominant nonsyndromic hearing loss 65. Also called: TBC1D24-Related Autosomal Dominant Nonsyndromic Hearing Loss (DFNA); Deafness, autosomal dominant 65. Identifiers: Orphanet 90635, MedGen C3892048, MONDO:0014470, OMIM 616044.

Allele frequency attached by ClinVar (database versions not stated): TOPMed below 0.00001.
gnomAD v4.1: 5 of 1,603,666 alleles (0.00031%); highest among the groups gnomAD compares: African/African-American, 0.0013%; no homozygotes.

Submissions (3):

Labcorp Genetics (formerly Invitae), Labcorp
Classification: Uncertain significance for Developmental and epileptic encephalopathy, 1; Autosomal dominant nonsyndromic hearing loss 65. Last evaluated: 2022-03-22. Review status: criteria provided, single submitter. Criteria: Invitae Variant Classification Sherloc (09022015). Collection method: clinical testing. Allele origin: germline.
Comment: Algorithms developed to predict the effect of sequence changes on RNA splicing suggest that this variant may disrupt the consensus splice site. Algorithms developed to predict the effect of missense changes on protein structure and function (SIFT, PolyPhen-2, Align-GVGD) all suggest that this variant is likely to be disruptive. ClinVar contains an entry for this variant (Variation ID: 207515). This variant has not been reported in the literature in individuals affected with TBC1D24-related conditions. The frequency data for this variant in the population databases is considered unreliable, as metrics indicate poor data quality at this position in the gnomAD database. This sequence change replaces glycine, which is neutral and non-polar, with valine, which is neutral and non-polar, at codon 509 of the TBC1D24 protein (p.Gly509Val). In summary, the available evidence is currently insufficient to determine the role of this variant in disease. Therefore, it has been classified as a Variant of Uncertain Significance.

GeneDx
Classification: Uncertain significance. Last evaluated: 2014-05-20. Review status: criteria provided, single submitter. Criteria: GeneDx Variant Classification (06012015). Collection method: clinical testing. Allele origin: germline. Affected: yes.
Comment: p.Gly503Val (GGG>GTG): c.1508 G>T in exon 7 of the TBC1D24 gene (NM_020705.2). A variant of unknown significance has been identified in the TBC1D24 gene. The G503V variant has not been published as a mutation, nor has it been reported as a benign polymorphism to our knowledge. It was not observed in approximately 6,400 individuals of European and African American ancestry in the NHLBI Exome Sequencing Project, indicating it is not a common benign variant in these populations. This substitution occurs at a position that is conserved across species, and in silico analysis predicts this variant is probably damaging to the protein structure/function. However, it is a conservative amino acid substitution, which is not likely to impact secondary protein structure as these residues share similar properties. Therefore, based on the currently available information, it is unclear whether this variant is a pathogenic mutation or a rare benign variant. The variant is found in EPILEPSY panel(s).

Dr. Peter K. Rogan Lab, Western University
No classification provided (evidence only). Condition: Squamous cell carcinoma of the head and neck. Review status: no classification provided. Collection method: in vitro. Allele origin: not applicable. Functional consequence: retained intron. Not counted in ClinVar's aggregate classification.